The following is an entry in ClinVar:

NM_152672.6(SLC51A):c.679G>A (p.Val227Met)

Gene: SLC51A (solute carrier family 51 member A; plus strand). Cytogenetic location: 3q29.
Variant type: single nucleotide variant.
Coding change: c.679G>A on transcript NM_152672.6 (MANE Select); coding-DNA position 679, G replaced by A.
Protein change: p.Val227Met; replaces valine 227 with methionine.
Molecular consequence: missense variant.
Genome position (GRCh38, 1-based): chr3:196,229,960, G>A. VCF-style: chr3-196229960-G-A. GRCh37 (hg19) VCF-style: chr3-195956831-G-A.
Other names: short protein forms V227M.
Identifiers: ClinVar variation 3320009 (VCV003320009.2).

ClinVar aggregate classification (germline): Uncertain significance. Review status: criteria provided, single submitter (1 of 4 stars). 2 submissions from 2 submitters: Uncertain significance (1). 1 of the submissions does not count toward it. Last evaluated 2024-05-14.

Conditions:
SLC51A-related disorder. Also called: SLC51A-related condition.

gnomAD v4.1: 137 of 1,613,502 alleles (0.0085%); highest among the groups gnomAD compares: South Asian, 0.077%; 1 homozygote.

Submissions (2):

Ambry Genetics
Classification: Uncertain significance. Last evaluated: 2024-05-14. Review status: criteria provided, single submitter. Criteria: Ambry Variant Classification Scheme 2023. Collection method: clinical testing. Allele origin: germline.

PreventionGenetics, part of Exact Sciences
Classification: Uncertain significance for SLC51A-related condition. Last evaluated: 2024-08-27. Review status: no assertion criteria provided. Collection method: clinical testing. Allele origin: germline. Not counted in ClinVar's aggregate classification.
Comment: The SLC51A c.679G>A variant is predicted to result in the amino acid substitution p.Val227Met. To our knowledge, this variant has not been reported in the literature. This variant is reported in 0.082% of alleles in individuals of South Asian descent in gnomAD. Although we suspect that this variant may be benign, at this time, the clinical significance of this variant is uncertain due to the absence of conclusive functional and genetic evidence.